The following is an entry in ClinVar:

NM_000038.6(APC):c.1440A>G (p.Gln480=)

Gene: APC (APC regulator of Wnt signaling pathway; plus strand). Cytogenetic location: 5q22.2.
Variant type: single nucleotide variant.
Coding change: c.1440A>G on transcript NM_000038.6 (MANE Select); coding-DNA position 1440, A replaced by G.
Protein change: p.Gln480=; no amino-acid change (glutamine 480 retained).
Molecular consequence: synonymous variant.
Genome position (GRCh38, 1-based): chr5:112,827,139, A>G. VCF-style: chr5-112827139-A-G. GRCh37 (hg19) VCF-style: chr5-112162836-A-G.
Other names: c.1440A>G, p.Gln480= (NM_001127510.3, NM_001354895.2); c.1167A>G, p.Gln389= (NM_001354902.2); c.1137A>G, p.Gln379= (NM_001354903.2); c.1062A>G, p.Gln354= (NM_001354904.2); c.1386A>G, p.Gln462= (NM_001127511.3); c.1494A>G, p.Gln498= (NM_001354896.2); c.1470A>G, p.Gln490= (NM_001354897.2); c.960A>G, p.Gln320= (NM_001354905.2); and 5 more.
Identifiers: ClinVar variation 1056995 (VCV001056995.11), dbSNP rs863224537, ClinGen allele CA445755913.

ClinVar aggregate classification (germline): Benign/Likely benign. Review status: criteria provided, multiple submitters, no conflicts (2 of 4 stars). 4 submissions from 4 submitters: Benign (1); Likely benign (3). Last evaluated 2024-03-01.

Conditions:
Classic or attenuated familial adenomatous polyposis. Identifiers: MedGen CN372698, MONDO:0021057.
Hereditary cancer-predisposing syndrome. Also called: Hereditary Cancer Syndrome; Tumor predisposition; Hereditary neoplastic syndrome; Neoplastic Syndromes, Hereditary. Identifiers: Orphanet 140162, MedGen C0027672, MeSH D009386, MONDO:0015356.
Familial adenomatous polyposis 1 (FAP1). Also called: FAMILIAL ADENOMATOUS POLYPOSIS 1, ATTENUATED; POLYPOSIS, ADENOMATOUS INTESTINAL. Identifiers: MedGen C2713442, MONDO:0021056, OMIM 175100. Disease mechanism: loss of function.

gnomAD v4.1: 5 of 1,613,628 alleles (0.00031%); highest among the groups gnomAD compares: Admixed American, 0.005%; no homozygotes.

Submissions (4):

Myriad Genetics, Inc.
Classification: Benign for Familial adenomatous polyposis 1. Last evaluated: 2024-03-01. Review status: criteria provided, single submitter. Criteria: Myriad Autosomal Dominant, Autosomal Recessive and X-Linked Classification Criteria (2023). Collection method: clinical testing. Allele origin: unknown.
Comment: This variant is considered benign. This variant is a silent/synonymous amino acid change and it is not expected to impact splicing.

Labcorp Genetics (formerly Invitae), Labcorp
Classification: Likely benign for Familial adenomatous polyposis 1. Last evaluated: 2024-01-19. Review status: criteria provided, single submitter. Criteria: Invitae Variant Classification Sherloc (09022015). Collection method: clinical testing. Allele origin: germline.

All of Us Research Program, National Institutes of Health
Classification: Likely benign for Classic or attenuated familial adenomatous polyposis. Last evaluated: 2023-12-18. Review status: criteria provided, single submitter. Criteria: ACMG Guidelines, 2015. Collection method: clinical testing. Allele origin: germline. Inheritance: Autosomal dominant inheritance. Observed: 1 variant allele, 1 heterozygote.
Comment: This study involves interpretation of variants in research participants for the purpose of population health screening. Participant phenotype was not available at the time of variant classification. Additional details can be found in publication PMID: 35346344, PMCID: PMC8962531

Ambry Genetics
Classification: Likely benign for Hereditary cancer-predisposing syndrome. Last evaluated: 2021-04-12. Review status: criteria provided, single submitter. Criteria: Ambry Variant Classification Scheme 2023. Collection method: clinical testing. Allele origin: germline.